The following is an entry in ClinVar:

ClinVar aggregate classification (germline): Uncertain significance (1 of 4 stars; one submission).

Conditions:
Nemaline myopathy 2 (NEM2). Also called: Nemaline myopathy 2, autosomal recessive. Identifiers: MedGen C1850569, MONDO:0009725, OMIM 256030.

Allele frequency attached by ClinVar (database versions not stated): ExAC below 0.00001; gnomAD exomes below 0.00001 and 0.00001; TOPMed below 0.00001.
gnomAD v4.1: 3 of 1,547,282 alleles (0.00019%); highest among the groups gnomAD compares: Admixed American, 0.0019%; no homozygotes.

Submission:

Labcorp Genetics (formerly Invitae), Labcorp
Classification: Uncertain significance for Nemaline myopathy 2. Last evaluated: 2022-08-31. Review status: criteria provided, single submitter. Criteria: Invitae Variant Classification Sherloc (09022015). Collection method: clinical testing. Allele origin: germline.
Comment: This sequence change falls in intron 38 of the NEB gene. It does not directly change the encoded amino acid sequence of the NEB protein. It affects a nucleotide within the consensus splice site. This variant is present in population databases (rs747017871, gnomAD 0.004%). This variant has not been reported in the literature in individuals affected with NEB-related conditions. ClinVar contains an entry for this variant (Variation ID: 655572). Variants that disrupt the consensus splice site are a relatively common cause of aberrant splicing (PMID: 17576681, 9536098). Algorithms developed to predict the effect of sequence changes on RNA splicing suggest that this variant is not likely to affect RNA splicing. In summary, the available evidence is currently insufficient to determine the role of this variant in disease. Therefore, it has been classified as a Variant of Uncertain Significance.

Literature cited by the submitters: PubMed 17576681; PubMed 9536098.

NM_001164508.2(NEB):c.4507-3T>C

Gene: NEB (nebulin; minus strand). Cytogenetic location: 2q23.3.
Variant type: single nucleotide variant.
Coding change: c.4507-3T>C on transcript NM_001164508.2 (MANE Select); 3 bases into the intron before coding-DNA position 4507, T replaced by C.
Molecular consequence: intron variant.
Genome position (GRCh38, 1-based): chr2:151,669,134, A>G on the plus strand (T>C on the coding strand, the complement: NEB is on the minus strand). VCF-style: chr2-151669134-A-G. GRCh37 (hg19) VCF-style: chr2-152525648-A-G.
Other names: c.4507-3T>C (NM_004543.5, NM_001164507.2, NM_001271208.2).
Identifiers: ClinVar variation 655572 (VCV000655572.4), dbSNP rs747017871, ClinGen allele CA1910597.